The following is an entry in ClinVar:

ClinVar aggregate classification (germline): Likely benign (1 of 4 stars; one submission).

Allele frequency attached by ClinVar (database versions not stated): 1000 Genomes Project 30x 0.00156; 1000 Genomes Project 0.00160; ExAC 0.00404; gnomAD 0.00466; ESP Exome Variant Server 0.00599.
gnomAD v4.1: 11,631 of 1,600,000 alleles (0.73%); highest among the groups gnomAD compares: Non-Finnish European, 0.88%; 62 homozygotes.

Submission:

CeGaT Center for Human Genetics Tuebingen
Classification: Likely benign. Last evaluated: 2023-10-01. Review status: criteria provided, single submitter. Criteria: CeGaT Center For Human Genetics Tuebingen Variant Classification Criteria Version 2. Collection method: clinical testing. Allele origin: germline. Affected: yes. Observed: 1 variant allele.
Comment: KRTAP12-2: BP4, BS2

NM_181684.3(KRTAP12-2):c.334C>T (p.Pro112Ser)

Genes: KRTAP12-2 (keratin associated protein 12-2; minus strand), TSPEAR (thrombospondin type laminin G domain and EAR repeats; minus strand). Cytogenetic location: 21q22.3.
Variant type: single nucleotide variant.
Coding change: c.334C>T on transcript NM_181684.3 (MANE Select); coding-DNA position 334, C replaced by T.
Protein change: p.Pro112Ser; replaces proline 112 with serine.
Molecular consequence: missense variant. On other transcripts: intron variant (2).
Genome position (GRCh38, 1-based): chr21:44,666,553, G>A on the plus strand (C>T on the coding strand, the complement: KRTAP12-2 is on the minus strand). VCF-style: chr21-44666553-G-A. GRCh37 (hg19) VCF-style: chr21-46086470-G-A.
Other names: c.82+44880C>T (NM_144991.3); c.-123+23992C>T (NM_001272037.2); short protein forms P112S.
Identifiers: ClinVar variation 2652780 (VCV002652780.24), dbSNP rs146322780, ClinGen allele CA10061256.